The following is an entry in ClinVar:

NM_015354.3(NUP188):c.2223T>C (p.His741=)

Gene: NUP188 (nucleoporin 188; plus strand). Cytogenetic location: 9q34.11.
Variant type: single nucleotide variant.
Coding change: c.2223T>C on transcript NM_015354.3 (MANE Select); coding-DNA position 2223, T replaced by C.
Protein change: p.His741=; no amino-acid change (histidine 741 retained).
Molecular consequence: synonymous variant.
Genome position (GRCh38, 1-based): chr9:128,986,834, T>C. VCF-style: chr9-128986834-T-C. GRCh37 (hg19) VCF-style: chr9-131749113-T-C.
Identifiers: ClinVar variation 3033125 (VCV003033125.2), dbSNP rs61744524, ClinGen allele CA5272585.

ClinVar aggregate classification (germline): Benign (0 of 4 stars; one submission).

Conditions:
NUP188-related disorder. Also called: NUP188-related condition.

Allele frequency attached by ClinVar (database versions not stated): gnomAD exomes 0.00100; TOPMed 0.01137; ESP Exome Variant Server 0.01199; 1000 Genomes Project 0.01278; 1000 Genomes Project 30x 0.01437; ExAC 0.00329; gnomAD 0.01006.
gnomAD v4.1: 3,058 of 1,614,168 alleles (0.19%); highest among the groups gnomAD compares: African/African-American, 3.5%; 47 homozygotes.

Submission:

PreventionGenetics, part of Exact Sciences
Classification: Benign for NUP188-related condition. Last evaluated: 2020-01-02. Review status: no assertion criteria provided. Collection method: clinical testing. Allele origin: germline.
Comment: This variant is classified as benign based on ACMG/AMP sequence variant interpretation guidelines (Richards et al. 2015 PMID: 25741868, with internal and published modifications).